The following is an entry in ClinVar:

NM_053025.4(MYLK):c.329A>G (p.Asn110Ser)

Gene: MYLK (myosin light chain kinase; minus strand). Cytogenetic location: 3q21.1.
Variant type: single nucleotide variant.
Coding change: c.329A>G on transcript NM_053025.4 (MANE Select); coding-DNA position 329, A replaced by G.
Protein change: p.Asn110Ser; replaces asparagine 110 with serine.
Molecular consequence: missense variant. On other transcripts: intron variant (1).
Genome position (GRCh38, 1-based): chr3:123,752,375, T>C on the plus strand (A>G on the coding strand, the complement: MYLK is on the minus strand). VCF-style: chr3-123752375-T-C. GRCh37 (hg19) VCF-style: chr3-123471222-T-C.
Other names: c.329A>G, p.Asn110Ser (NM_053026.4, NM_053027.4, NM_053028.4); c.-155-12374A>G (NM_001321309.2); short protein forms N110S.
Identifiers: ClinVar variation 1729919 (VCV001729919.2), dbSNP rs2474741320, ClinGen allele CA354243992.

ClinVar aggregate classification (germline): Uncertain significance (1 of 4 stars; one submission).

Conditions:
Familial thoracic aortic aneurysm and aortic dissection (TAAD). Also called: Thoracic aortic aneurysms and dissections. Identifiers: Orphanet 91387, MedGen C4707243, MONDO:0019625.

Allele frequency attached by ClinVar (database versions not stated): gnomAD exomes below 0.00001.
gnomAD v4.1: 5 of 1,614,134 alleles (0.00031%); highest among the groups gnomAD compares: Non-Finnish European, 0.00042%; no homozygotes.

Submission:

Ambry Genetics
Classification: Uncertain significance for Familial thoracic aortic aneurysm and aortic dissection. Last evaluated: 2020-06-17. Review status: criteria provided, single submitter. Criteria: Ambry Variant Classification Scheme 2023. Collection method: clinical testing. Allele origin: germline.
Comment: The p.N110S variant (also known as c.329A>G), located in coding exon 2 of the MYLK gene, results from an A to G substitution at nucleotide position 329. The asparagine at codon 110 is replaced by serine, an amino acid with highly similar properties. This amino acid position is highly conserved in available vertebrate species. In addition, the in silico prediction for this alteration is inconclusive. Since supporting evidence is limited at this time, the clinical significance of this alteration remains unclear.